The following is an entry in ClinVar:

ClinVar aggregate classification (germline): Uncertain significance. Review status: criteria provided, multiple submitters, no conflicts (2 of 4 stars). 5 submissions from 5 submitters: Uncertain significance (4). 1 of the submissions does not count toward it. Last evaluated 2024-11-13.

Conditions:
IMAGe syndrome. Also called: Intrauterine growth retardation, metaphyseal dysplasia, adrenal hypoplasia congenita, and genital anomalies; Intrauterine Growth Restriction, Metaphyseal Dysplasia, Adrenal Hypoplasia Congenita, and Genital Anomalies. Identifiers: Orphanet 85173, MedGen C1846009, MONDO:0013873, OMIM 614732.
Beckwith-Wiedemann syndrome (BWS). Also called: EMG SYNDROME; Exomphalos macroglossia gigantism syndrome. Identifiers: Orphanet 116, MedGen C0004903, MONDO:0007534, OMIM 130650.
CDKN1C-related disorder. Also called: CDKN1C-related condition.

Allele frequency attached by ClinVar (database versions not stated): ExAC below 0.00001.

Submissions (5):

Labcorp Genetics (formerly Invitae), Labcorp
Classification: Uncertain significance for Beckwith-Wiedemann syndrome. Last evaluated: 2024-11-13. Review status: criteria provided, single submitter. Criteria: Invitae Variant Classification Sherloc (09022015). Collection method: clinical testing. Allele origin: germline.
Comment: This sequence change replaces arginine, which is basic and polar, with glycine, which is neutral and non-polar, at codon 26 of the CDKN1C protein (p.Arg26Gly). This variant is not present in population databases (gnomAD no frequency). This variant has not been reported in the literature in individuals affected with CDKN1C-related conditions. ClinVar contains an entry for this variant (Variation ID: 646679). Invitae Evidence Modeling of protein sequence and biophysical properties (such as structural, functional, and spatial information, amino acid conservation, physicochemical variation, residue mobility, and thermodynamic stability) has been performed for this missense variant. However, the output from this modeling did not meet the statistical confidence thresholds required to predict the impact of this variant on CDKN1C protein function. In summary, the available evidence is currently insufficient to determine the role of this variant in disease. Therefore, it has been classified as a Variant of Uncertain Significance.

Baylor Genetics
Classification: Uncertain significance for Beckwith-Wiedemann syndrome. Last evaluated: 2023-10-10. Review status: criteria provided, single submitter. Criteria: ACMG Guidelines, 2015. Collection method: clinical testing. Allele origin: unknown.

Blueprint Genetics
Classification: Uncertain significance. Last evaluated: 2022-09-28. Review status: criteria provided, single submitter. Criteria: ACMG Guidelines, 2015. Collection method: clinical testing. Allele origin: germline.

Fulgent Genetics
Classification: Uncertain significance for Beckwith-Wiedemann syndrome; IMAGe syndrome. Last evaluated: 2021-12-17. Review status: criteria provided, single submitter. Criteria: ACMG Guidelines, 2015. Collection method: clinical testing. Allele origin: unknown.

PreventionGenetics, part of Exact Sciences
Classification: Uncertain significance for CDKN1C-related condition. Last evaluated: 2023-12-04. Review status: no assertion criteria provided. Collection method: clinical testing. Allele origin: germline. Not counted in ClinVar's aggregate classification.
Comment: The CDKN1C c.76C>G variant is predicted to result in the amino acid substitution p.Arg26Gly. To our knowledge, this variant has not been reported in the literature or in a large population database, indicating this variant is rare. This variant is reported with uncertain significance in the ClinVar database. At this time, the clinical significance of this variant is uncertain due to the absence of conclusive functional and genetic evidence.

NM_001122630.2(CDKN1C):c.43C>G (p.Arg15Gly)

Gene: CDKN1C (cyclin dependent kinase inhibitor 1C; minus strand). Cytogenetic location: 11p15.4.
Variant type: single nucleotide variant.
Coding change: c.43C>G on transcript NM_001122630.2 (MANE Select); coding-DNA position 43, C replaced by G.
Protein change: p.Arg15Gly; replaces arginine 15 with glycine.
Molecular consequence: missense variant.
Genome position (GRCh38, 1-based): chr11:2,885,414, G>C on the plus strand (C>G on the coding strand, the complement: CDKN1C is on the minus strand). VCF-style: chr11-2885414-G-C. GRCh37 (hg19) VCF-style: chr11-2906644-G-C.
Other names: c.76C>G, p.Arg26Gly (LRG_533t1, NM_000076.2, NM_001362474.2); c.43C>G, p.Arg15Gly (NM_001122631.2, NM_001362475.2); short protein forms R26G, R15G.
Identifiers: ClinVar variation 646679 (VCV000646679.14), dbSNP rs765255367, ClinGen allele CA5822244.
Genomic context (GRCh38, chr11:2,885,414, plus strand): 5'-GCTCGCGGCTCAGCTCCTCGTGGTCCACCGGCCCGAAGAGGCTGCGGCAGGCGCTGGTGC[G>C]CACTAGTACTGGGAAGGTCCCACGGGCGACAAGACGCTCCATCGTGGATGTGCTGCGGAG-3'
Protein context (NP_001116102.1, residues 5-25): VARGTFPVLV[Arg15Gly]TSACRSLFGP